The following is an entry in ClinVar:

ClinVar aggregate classification (germline): Uncertain significance. Review status: criteria provided, multiple submitters, no conflicts (2 of 4 stars). 5 submissions from 5 submitters: Uncertain significance (4). 1 of the submissions does not count toward it. Last evaluated 2026-03-21.

Conditions:
Cardiomyopathy (CMYO). Also called: Cardiomyopathies. Identifiers: Orphanet 167848, MedGen C0878544, MONDO:0004994, HP:0001638. Inheritance: Various modes of inheritance.
Duchenne muscular dystrophy (DMD). Also called: MUSCULAR DYSTROPHY, PSEUDOHYPERTROPHIC PROGRESSIVE, DUCHENNE TYPE; Duchenne Muscular Dystrophy (DMD). Identifiers: Orphanet 98896, MedGen C0013264, MONDO:0010679, OMIM 310200.
Becker muscular dystrophy (BMD). Also called: MUSCULAR DYSTROPHY, PSEUDOHYPERTROPHIC PROGRESSIVE, BECKER TYPE; Becker Muscular Dystrophy (BMD). Identifiers: Orphanet 98895, MedGen C0917713, MONDO:0010311, OMIM 300376.
Dystrophin deficiency.
Cardiovascular phenotype. Identifiers: MedGen CN230736.
Duchenne and Becker muscular dystrophy. Also called: Duchenne / Becker Muscular Dystrophy. Identifiers: Orphanet 262, MedGen C3542021. Disease mechanism: loss of function.

Allele frequency attached by ClinVar (database versions not stated): gnomAD exomes below 0.00001.
gnomAD v4.1: 2 of 1,200,789 alleles (0.00017%); highest among the groups gnomAD compares: Non-Finnish European, 0.00022%; no homozygotes.

Submissions (5):

Ambry Genetics
Classification: Uncertain significance for Cardiovascular phenotype. Last evaluated: 2026-03-21. Review status: criteria provided, single submitter. Criteria: Ambry Variant Classification Scheme 2023. Collection method: clinical testing. Allele origin: germline.
Comment: The p.A1203T variant (also known as c.3607G>A), located in coding exon 27 of the DMD gene, results from a G to A substitution at nucleotide position 3607. The alanine at codon 1203 is replaced by threonine, an amino acid with similar properties. This amino acid position is conserved. In addition, this alteration is predicted to be tolerated by in silico analysis. Based on the available evidence, the clinical significance of this variant remains unclear.

Labcorp Genetics (formerly Invitae), Labcorp
Classification: Uncertain significance for Duchenne muscular dystrophy. Last evaluated: 2023-06-07. Review status: criteria provided, single submitter. Criteria: Invitae Variant Classification Sherloc (09022015). Collection method: clinical testing. Allele origin: germline.
Comment: This variant has not been reported in the literature in individuals affected with DMD-related conditions. ClinVar contains an entry for this variant (Variation ID: 595553). Advanced modeling of protein sequence and biophysical properties (such as structural, functional, and spatial information, amino acid conservation, physicochemical variation, residue mobility, and thermodynamic stability) performed at Invitae indicates that this missense variant is not expected to disrupt DMD protein function. In summary, the available evidence is currently insufficient to determine the role of this variant in disease. Therefore, it has been classified as a Variant of Uncertain Significance. This sequence change replaces alanine, which is neutral and non-polar, with threonine, which is neutral and polar, at codon 1203 of the DMD protein (p.Ala1203Thr). This variant is not present in population databases (gnomAD no frequency).

Victorian Clinical Genetics Services, Murdoch Childrens Research Institute
Classification: Uncertain significance for Duchenne and Becker muscular dystrophy. Last evaluated: 2020-07-02. Review status: criteria provided, single submitter. Criteria: ACMG Guidelines, 2015. Collection method: clinical testing. Allele origin: germline. Inheritance: X-linked recessive inheritance.
Comment: Based on the classification scheme VCGS_Germline_v1.3.3, this variant is classified as 3B-VUS. Following criteria are met: 0102 - Loss of function is a known mechanism of disease in this gene. (I) 0109 - This gene is associated with X-linked recessive disease. (I) 0200 - Variant is predicted to result in a missense amino acid change from alanine to threonine. (I) 0251 - This variant is heterozygous. (I) 0301 - Variant is absent from gnomAD (both v2 and v3). (SP) 0502 - Missense variant with conflicting in silico predictions and uninformative conservation. (I) 0600 - Variant is located in the annotated spectrin repeat domain (PDB). (I) 0705 - No comparable missense variants have previous evidence for pathogenicity. (I) 0804 - This variant has previously been described as a variant of uncertain significance in one individual (ClinVar). (I) 0905 - No published segregation evidence has been identified for this variant. (I) 1007 - No published functional evidence has been identified for this variant. (I) 1208 - Inheritance information for this variant is not currently available in this individual. (I) Legend: (SP) - Supporting pathogenic, (I) - Information, (SB) - Supporting benign

Eurofins Ntd Llc (ga)
Classification: Uncertain significance. Last evaluated: 2017-12-28. Review status: criteria provided, single submitter. Criteria: EGL Classification Definitions 2015. Collection method: clinical testing. Allele origin: germline. Observed: 1 variant allele, 1 hemizygote.

Natera, Inc.
Classification: Uncertain significance for Becker muscular dystrophy; Cardiomyopathy; Duchenne muscular dystrophy; Dystrophin deficiency. Last evaluated: 2021-02-10. Review status: no assertion criteria provided. Collection method: clinical testing. Allele origin: germline. Not counted in ClinVar's aggregate classification.

NM_004006.3(DMD):c.3607G>A (p.Ala1203Thr)

Gene: DMD (dystrophin; minus strand). Cytogenetic location: Xp21.1.
Variant type: single nucleotide variant.
Coding change: c.3607G>A on transcript NM_004006.3 (MANE Select); coding-DNA position 3607, G replaced by A.
Protein change: p.Ala1203Thr; replaces alanine 1203 with threonine.
Molecular consequence: missense variant.
Genome position (GRCh38, 1-based): chrX:32,448,635, C>T on the plus strand (G>A on the coding strand, the complement: DMD is on the minus strand). VCF-style: chrX-32448635-C-T. GRCh37 (hg19) VCF-style: chrX-32466752-C-T.
Other names: c.3583G>A, p.Ala1195Thr (NM_000109.4); c.3595G>A, p.Ala1199Thr (NM_004009.3); c.3238G>A, p.Ala1080Thr (NM_004010.3); short protein forms A1203T, A1080T, A1199T, A1195T.
Identifiers: ClinVar variation 595553 (VCV000595553.16), dbSNP rs1569562950, ClinGen allele CA412662416.
Genomic context (GRCh38, chrX:32,448,635, plus strand): 5'-TATTTACAGACTCAGTAAGGAGTTTCACTTTCGCTTCTTTTTGTTGGGCCTCTTCTTTAG[C>T]TCTCTGAAAAATAAAGAATGCTCTCTTAATAGCATGAAAATAACTTTACATCCAAAATGC-3'
Protein context (NP_003997.2, residues 1193-1213): LQKAVEEMKR[Ala1203Thr]KEEAQQKEAK